The following is an entry in ClinVar:

ClinVar aggregate classification (germline): Pathogenic. Review status: criteria provided, multiple submitters, no conflicts (2 of 4 stars). 20 submissions from 17 submitters: Pathogenic (13). 7 of the submissions do not count toward it. Last evaluated 2025-12-24.

Conditions:
Usher syndrome. Also called: Usher Syndromes; Usher's syndrome. Identifiers: Orphanet 886, MedGen CN469326, MeSH D052245, MONDO:0019501. Disease mechanism: loss of function.
USH2A-related disorder. Also called: USH2A-related disorders; USH2A-related condition. Identifiers: MedGen CN239332.
Rare genetic deafness. Identifiers: Orphanet 96210, MedGen C5680250.
Retinal dystrophy. Also called: Inherited retinal dystrophy. Identifiers: Orphanet 71862, MedGen C0854723, MeSH D058499, MONDO:0019118, HP:0000556.
Retinitis pigmentosa 39 (RP39). Identifiers: Orphanet 791, MedGen C3151138, MONDO:0013436, OMIM 613809.
Usher syndrome type 2A. Also called: USHER SYNDROME, TYPE IIA; RETINAL DISEASE IN USHER SYNDROME TYPE IIA, MODIFIER OF. Identifiers: Orphanet 231178, Orphanet 886, MedGen C1848634, MONDO:0010169, OMIM 276901.
Retinitis pigmentosa (RP). Identifiers: Orphanet 791, MedGen C0035334, MeSH D012174, MONDO:0019200, OMIM 268000. Inheritance: Autosomal dominant, autosomal recessive and X linked inheritance.
Retinal disorder. Also called: Retinopathies; Retinal Diseases; Retinal disorders; Retinopathy. Identifiers: MedGen C0035309, MONDO:0005283, HP:0000488.

Allele frequency attached by ClinVar (database versions not stated): ExAC 0.00001; TOPMed 0.00001; gnomAD exomes 0.00002; gnomAD 0.00003.
gnomAD v4.1: 66 of 1,613,792 alleles (0.0041%); highest among the groups gnomAD compares: Non-Finnish European, 0.0055%; no homozygotes.

Submissions (20):

Labcorp Genetics (formerly Invitae), Labcorp
Classification: Pathogenic. Last evaluated: 2025-12-24. Review status: criteria provided, single submitter. Criteria: Invitae Variant Classification Sherloc (09022015). Collection method: clinical testing. Allele origin: germline.
Comment: This sequence change replaces cysteine, which is neutral and slightly polar, with arginine, which is basic and polar, at codon 536 of the USH2A protein (p.Cys536Arg). This variant is present in population databases (rs111033273, gnomAD 0.004%). This missense change has been observed in individuals with Usher syndrome (PMID: 10909849, 28559085). It has also been observed to segregate with disease in related individuals. ClinVar contains an entry for this variant (Variation ID: 48471). Invitae Evidence Modeling of protein sequence and biophysical properties (such as structural, functional, and spatial information, amino acid conservation, physicochemical variation, residue mobility, and thermodynamic stability) indicates that this missense variant is expected to disrupt USH2A protein function with a positive predictive value of 95%. For these reasons, this variant has been classified as Pathogenic.

Genetics Laboratory, Great Ormond Street Hospital NHS Foundation Trust, North Thames Genomic Laboratory Hub
Classification: Pathogenic for Retinal disorders. Last evaluated: 2025-11-14. Review status: criteria provided, single submitter. Criteria: ACGS Best Practice Guidelines for Variant Classification in Rare Disease 2024 v1.2. Collection method: clinical testing. Allele origin: germline. Affected: yes.
Comment: PM2_supporting, PP3_supporting, PS3_supporting, PM3_very-strong

Natera, Inc.
Classification: Pathogenic for Usher syndrome type 2A. Last evaluated: 2025-03-18. Review status: criteria provided, single submitter. Criteria: Natera Variant Classification Schema (03/2026). Collection method: clinical testing. Allele origin: germline.
Comment: The c.1606T>C variant in USH2A is a missense variant predicted to cause substitution of cysteine to arginine at amino acid 536. This variant is rare in the general population with a frequency below the threshold expected for the associated phenotype(s). This variant has been observed in one or more individuals affected with the associated recessive disease, as either homozygous or compound heterozygous with a second variant (PMID: 28944237, 15043528). Computational prediction algorithms indicate this variant is likely to affect gene or protein function. Given the available evidence, this variant is classified as Pathogenic.

CeGaT Center for Human Genetics Tuebingen
Classification: Pathogenic. Last evaluated: 2024-12-01. Review status: criteria provided, single submitter. Criteria: CeGaT Center For Human Genetics Tuebingen Variant Classification Criteria Version 2. Collection method: clinical testing. Allele origin: germline. Affected: yes. Observed: 2 variant alleles.
Comment: USH2A: PM3:Very Strong, PM2, PM5, PS3:Supporting

GeneDx
Classification: Pathogenic. Last evaluated: 2024-11-24. Review status: criteria provided, single submitter. Criteria: GeneDx Variant Classification Process June 2021. Collection method: clinical testing. Allele origin: germline. Affected: yes.
Comment: Not observed at significant frequency in large population cohorts (gnomAD); In silico analysis supports that this missense variant has a deleterious effect on protein structure/function; This variant is associated with the following publications: (PMID: Tachida2024[preprint], 38347443, 27957503, 15043528, 16963483, 14676276, 27068579, 18273898, 31047448, 28944237, 28574513, 27318125, 26927203, 28559085, 22135276, 21738395, 21569298, 21151602, 15241801, 33576794, 31964843, 36555390, 32037395, 36011334, 34948090, 35452909, 34781295, 35266249, 36819107, 30718709, 37217489, 36460718, 10909849, 38219857, 38987893, Ogorodova2024[CaseReport])

Women's Health and Genetics/Laboratory Corporation of America, LabCorp
Classification: Pathogenic for Usher syndrome. Last evaluated: 2024-10-30. Review status: criteria provided, single submitter. Criteria: LabCorp Variant Classification Summary - May 2015. Collection method: clinical testing. Allele origin: germline.
Comment: Variant summary: USH2A c.1606T>C (p.Cys536Arg) results in a non-conservative amino acid change located in the Laminin-type EGF domain (IPR002049) of the encoded protein sequence. Five of five in-silico tools predict a damaging effect of the variant on protein function. The variant allele was found at a frequency of 2.4e-05 in 250998 control chromosomes. c.1606T>C has been reported in the literature in the homozygous state in multiple individuals affected with Usher Syndrome (example, Dad_2016, Neuhaus_2017). These data indicate that the variant is likely to be associated with disease. At least one publication reports experimental evidence evaluating an impact on protein function. The most pronounced variant effect results in completely abolished binding activity in vitro to partner protein, collagen IV (example, Bhattacharya_2004). The following publications have been ascertained in the context of this evaluation (PMID: 14676276, 27957503, 28944237). ClinVar contains an entry for this variant (Variation ID: 48471). Based on the evidence outlined above, the variant was classified as pathogenic.

Blueprint Genetics
Classification: Pathogenic for USH2A-related disorders. Last evaluated: 2024-09-16. Review status: criteria provided, single submitter. Criteria: ACMG Guidelines, 2015. Collection method: clinical testing. Allele origin: germline. Affected: yes. Observed: 5 variant alleles.

Baylor Genetics
Classification: Pathogenic for Retinitis pigmentosa 39. Last evaluated: 2024-01-23. Review status: criteria provided, single submitter. Criteria: ACMG Guidelines, 2015. Collection method: clinical testing. Allele origin: unknown.

Genome-Nilou Lab
Classification: Pathogenic for Retinitis pigmentosa 39. Last evaluated: 2023-11-04. Review status: criteria provided, single submitter. Criteria: ACMG Guidelines, 2015. Collection method: clinical testing. Allele origin: germline. Affected: no.

Genome-Nilou Lab
Classification: Pathogenic for Usher syndrome type 2A. Last evaluated: 2023-11-04. Review status: criteria provided, single submitter. Criteria: ACMG Guidelines, 2015. Collection method: clinical testing. Allele origin: germline. Affected: no.

The Shared Resource Centre "Genome", Research Centre for Medical Genetics
Classification: Pathogenic for Usher syndrome type 2A. Last evaluated: 2022-11-10. Review status: criteria provided, single submitter. Criteria: ACMG Guidelines, 2015. Collection method: clinical testing. Allele origin: germline. Affected: yes. Observed: 1 variant allele.

Fulgent Genetics
Classification: Pathogenic for Usher syndrome type 2A; Retinitis pigmentosa 39. Last evaluated: 2022-05-07. Review status: criteria provided, single submitter. Criteria: ACMG Guidelines, 2015. Collection method: clinical testing. Allele origin: unknown.

Institute of Human Genetics, Univ. Regensburg, Univ. Regensburg
Classification: Pathogenic for Retinal dystrophy. Last evaluated: 2022-01-01. Review status: criteria provided, single submitter. Criteria: ACMG Guidelines, 2015. Collection method: clinical testing. Allele origin: germline. Affected: yes.

Department of Clinical Genetics, Copenhagen University Hospital, Rigshospitalet
Classification: Pathogenic for Retinitis pigmentosa. Last evaluated: 2018-04-01. Review status: no assertion criteria provided. Collection method: research. Allele origin: unknown. Affected: yes. Study: VeluxRD. Not counted in ClinVar's aggregate classification.

Counsyl
Classification: Pathogenic for Usher syndrome type 2A. Last evaluated: 2016-11-18. Review status: no assertion criteria provided. Collection method: clinical testing. Allele origin: unknown. Not counted in ClinVar's aggregate classification.

Counsyl
Classification: Pathogenic for Retinitis pigmentosa 39. Last evaluated: 2016-11-18. Review status: no assertion criteria provided. Collection method: clinical testing. Allele origin: unknown. Not counted in ClinVar's aggregate classification.

Joint Genome Diagnostic Labs from Nijmegen and Maastricht, Radboudumc and MUMC+
Classification: Pathogenic for Retinitis pigmentosa 39. Last evaluated: 2016-09-01. Review status: no assertion criteria provided. Collection method: clinical testing. Allele origin: inherited. Affected: yes. Observed: 1 variant allele. Not counted in ClinVar's aggregate classification.

Laboratory for Molecular Medicine, Mass General Brigham Personalized Medicine
Classification: Pathogenic for Rare genetic deafness. Last evaluated: 2007-04-18. Review status: no assertion criteria provided. Collection method: clinical testing. Allele origin: germline. Observed: 1 variant allele. Not counted in ClinVar's aggregate classification.

Clinical Genetics, Academic Medical Center
Classification: Pathogenic. Review status: no assertion criteria provided. Collection method: clinical testing. Allele origin: germline. Affected: yes. Study: VKGL Data-share Consensus. Not counted in ClinVar's aggregate classification.

Joint Genome Diagnostic Labs from Nijmegen and Maastricht, Radboudumc and MUMC+
Classification: Pathogenic. Review status: no assertion criteria provided. Collection method: clinical testing. Allele origin: germline. Affected: yes. Study: VKGL Data-share Consensus. Not counted in ClinVar's aggregate classification.

Literature cited by the submitters: PubMed 10909849 (cited by 4 submitters); PubMed 28559085 (cited by Labcorp Genetics (formerly Invitae), Labcorp and Institute of Human Genetics, Univ. Regensburg, Univ. Regensburg); PubMed 28944237 (cited by Natera, Inc. and Women's Health and Genetics/Laboratory Corporation of America, LabCorp); PubMed 15043528 (cited by Natera, Inc. and Laboratory for Molecular Medicine, Mass General Brigham Personalized Medicine); PubMed 27957503 (cited by Women's Health and Genetics/Laboratory Corporation of America, LabCorp); PubMed 14676276 (cited by Women's Health and Genetics/Laboratory Corporation of America, LabCorp and Institute of Human Genetics, Univ. Regensburg, Univ. Regensburg); PubMed 27068579 (cited by Institute of Human Genetics, Univ. Regensburg, Univ. Regensburg); PubMed 31964843 (cited by Institute of Human Genetics, Univ. Regensburg, Univ. Regensburg); PubMed 32037395 (cited by Institute of Human Genetics, Univ. Regensburg, Univ. Regensburg); PubMed 33576794 (cited by Institute of Human Genetics, Univ. Regensburg, Univ. Regensburg); PubMed 34948090 (cited by Institute of Human Genetics, Univ. Regensburg, Univ. Regensburg); PubMed 34781295 (cited by Institute of Human Genetics, Univ. Regensburg, Univ. Regensburg); PubMed 36011334 (cited by Institute of Human Genetics, Univ. Regensburg, Univ. Regensburg); PubMed 35266249 (cited by Institute of Human Genetics, Univ. Regensburg, Univ. Regensburg); PubMed 36460718 (cited by Institute of Human Genetics, Univ. Regensburg, Univ. Regensburg); PubMed 35452909 (cited by Institute of Human Genetics, Univ. Regensburg, Univ. Regensburg); PubMed 36819107 (cited by Institute of Human Genetics, Univ. Regensburg, Univ. Regensburg); PubMed 30718709 (cited by Department of Clinical Genetics, Copenhagen University Hospital, Rigshospitalet); PubMed 21569298 (cited by Counsyl and Laboratory for Molecular Medicine, Mass General Brigham Personalized Medicine); PubMed 26927203 (cited by Counsyl); PubMed 22135276 (cited by Laboratory for Molecular Medicine, Mass General Brigham Personalized Medicine).

NM_206933.4(USH2A):c.1606T>C (p.Cys536Arg)

Gene: USH2A (usherin; minus strand). Cytogenetic location: 1q41.
Variant type: single nucleotide variant.
Coding change: c.1606T>C on transcript NM_206933.4 (MANE Select); coding-DNA position 1606, T replaced by C.
Protein change: p.Cys536Arg; replaces cysteine 536 with arginine.
Molecular consequence: missense variant.
Genome position (GRCh38, 1-based): chr1:216,321,921, A>G on the plus strand (T>C on the coding strand, the complement: USH2A is on the minus strand). VCF-style: chr1-216321921-A-G. GRCh37 (hg19) VCF-style: chr1-216495263-A-G.
Other names: c.1606T>C, p.Cys536Arg (NM_007123.6); short protein forms C536R.
Identifiers: ClinVar variation 48471 (VCV000048471.72), dbSNP rs111033273, ClinGen allele CA262095.
Genomic context (GRCh38, chr1:216,321,921, plus strand): 5'-CCATGCATAAAATAGAACTCACATGAAGTCCTTCAGTGAAGCTCTCCTGGGAGCAGAGGC[A>G]TCTATATGGCTGGCTTGTTGTGTCGCAGTTATCGGCATGACCATGGCACTGACATCTGCA-3'
Protein context (NP_996816.3, residues 526-546): NCDTTSQPYR[Cys536Arg]LCSQESFTEG